The following is an entry in ClinVar:

NM_000052.7(ATP7A):c.695T>C (p.Met232Thr)

Gene: ATP7A (ATPase copper transporting alpha; plus strand). Cytogenetic location: Xq21.1.
Variant type: single nucleotide variant.
Coding change: c.695T>C on transcript NM_000052.7 (MANE Select); coding-DNA position 695, T replaced by C.
Protein change: p.Met232Thr; replaces methionine 232 with threonine.
Molecular consequence: missense variant.
Genome position (GRCh38, 1-based): chrX:77,989,317, T>C. VCF-style: chrX-77989317-T-C. GRCh37 (hg19) VCF-style: chrX-77244813-T-C.
Other names: c.695T>C (NM_000052.6); c.695T>C, p.Met232Thr (NM_001282224.2); short protein forms M232T.
Identifiers: ClinVar variation 1489521 (VCV001489521.7), dbSNP rs2149083058, ClinGen allele CA413600609.
Genomic context (GRCh38, chrX:77,989,317, plus strand): 5'-CTATTGTTTATCAACCTCATCTTATCTCAGTAGAGGAAATGAAAAAGCAGATTGAAGCTA[T>C]GGGCTTTCCAGCATTTGTCAAAAAGCAGCCCAAGTACCTCAAATTGGGAGCTATTGATGT-3'
Protein context (NP_000043.4, residues 222-242): VEEMKKQIEA[Met232Thr]GFPAFVKKQP

ClinVar aggregate classification (germline): Uncertain significance. Review status: criteria provided, single submitter (1 of 4 stars). 2 submissions from 2 submitters: Uncertain significance (1). 1 of the submissions does not count toward it. Last evaluated 2025-12-13.

Conditions:
Cutis laxa, X-linked (OHS). Also called: EDS IX; Occipital horn syndrome. Identifiers: Orphanet 198, MedGen C0268353, MONDO:0010572, OMIM 304150.
X-linked distal spinal muscular atrophy type 3. Also called: ATP7A-Related Distal Motor Neuropathy; SPINAL MUSCULAR ATROPHY, DISTAL, X-LINKED RECESSIVE; NEURONOPATHY, DISTAL HEREDITARY MOTOR, X-LINKED; NEUROPATHY, DISTAL HEREDITARY MOTOR, X-LINKED. Identifiers: Orphanet 139557, MedGen C1845359, MONDO:0010338, OMIM 300489.
Menkes kinky-hair syndrome (MNK). Also called: Classic Menkes Disease; Copper transport disease; Menkes Disease. Identifiers: Orphanet 565, MedGen C0022716, MONDO:0010651, OMIM 309400.

Submissions (2):

Labcorp Genetics (formerly Invitae), Labcorp
Classification: Uncertain significance for X-linked distal spinal muscular atrophy type 3; Cutis laxa, X-linked; Menkes kinky-hair syndrome. Last evaluated: 2025-12-13. Review status: criteria provided, single submitter. Criteria: Invitae Variant Classification Sherloc (09022015). Collection method: clinical testing. Allele origin: germline.
Comment: This sequence change replaces methionine, which is neutral and non-polar, with threonine, which is neutral and polar, at codon 232 of the ATP7A protein (p.Met232Thr). This variant is not present in population databases (gnomAD no frequency). This variant has not been reported in the literature in individuals affected with ATP7A-related conditions. ClinVar contains an entry for this variant (Variation ID: 1489521). Invitae Evidence Modeling of protein sequence and biophysical properties (such as structural, functional, and spatial information, amino acid conservation, physicochemical variation, residue mobility, and thermodynamic stability) indicates that this missense variant is not expected to disrupt ATP7A protein function with a negative predictive value of 95%. In summary, the available evidence is currently insufficient to determine the role of this variant in disease. Therefore, it has been classified as a Variant of Uncertain Significance.

Natera, Inc.
Classification: Uncertain significance for Menkes kinky hair syndrome. Last evaluated: 2025-02-27. Review status: no assertion criteria provided. Collection method: clinical testing. Allele origin: germline. Not counted in ClinVar's aggregate classification.